The following is an entry in ClinVar:

NM_001388492.1(HTT):c.2434C>T (p.Arg812Trp)

Gene: HTT (huntingtin; plus strand). Cytogenetic location: 4p16.3.
Variant type: single nucleotide variant.
Coding change: c.2434C>T on transcript NM_001388492.1 (MANE Select); coding-DNA position 2434, C replaced by T.
Protein change: p.Arg812Trp; replaces arginine 812 with tryptophan.
Molecular consequence: missense variant.
Genome position (GRCh38, 1-based): chr4:3,132,852, C>T. VCF-style: chr4-3132852-C-T. GRCh37 (hg19) VCF-style: chr4-3134579-C-T.
Other names: c.2440C>T, p.Arg814Trp (NM_002111.8); short protein forms R812W, R814W.
Identifiers: ClinVar variation 3063881 (VCV003063881.1), dbSNP rs377013397, ClinGen allele CA2823846.
Genomic context (GRCh38, chr4:3,132,852, plus strand): 5'-TGTTGCTTGTTCTTCTGGTTAGGAAATACATTTTCTTTGGCGGATTGCATTCCTTTGCTG[C>T]GGAAAACACTGAAGGATGAGTCTTCTGTTACTTGCAAGTTAGCTTGTACAGCTGTGAGGG-3'
Protein context (NP_001375421.1, residues 802-822): FSLADCIPLL[Arg812Trp]KTLKDESSVT

ClinVar aggregate classification (germline): Uncertain significance (1 of 4 stars; one submission).

Allele frequency attached by ClinVar (database versions not stated): TOPMed 0.00003; gnomAD 0.00006; ExAC 0.00007; ESP Exome Variant Server 0.00008.
gnomAD v4.1: 78 of 1,613,932 alleles (0.0048%); highest among the groups gnomAD compares: Middle Eastern, 0.016%; no homozygotes.

Submission:

Women's Health and Genetics/Laboratory Corporation of America, LabCorp
Classification: Uncertain significance. Last evaluated: 2024-01-12. Review status: criteria provided, single submitter. Criteria: LabCorp Variant Classification Summary - May 2015. Collection method: clinical testing. Allele origin: germline.
Comment: Variant summary: HTT c.2434C>T (p.Arg812Trp) results in a non-conservative amino acid change located in the second set of HEAT repeats of the N-terminal domain (IPR024613) of the encoded protein sequence. Two of four in-silico tools predict a benign effect of the variant on protein function. The variant allele was found at a frequency of 4.8e-05 in 1,606,938 control chromosomes (i.e. 78 heterozygotes) in the gnomAD database (v4 dataset). To our knowledge, no occurrence of c.2434C>T in individuals affected with Lopes-Maciel Syndrome and no experimental evidence demonstrating its impact on protein function have been reported. No submitters have cited clinical-significance assessments for this variant to ClinVar. Based on the evidence outlined above, the variant was classified as uncertain significance.